The following is an entry in ClinVar:

ClinVar aggregate classification (germline): Uncertain significance (1 of 4 stars; one submission).

gnomAD v4.1: 1 of 1,613,726 alleles (0.000062%); no homozygotes.

Submission:

GeneDx
Classification: Uncertain significance. Last evaluated: 2023-03-14. Review status: criteria provided, single submitter. Criteria: GeneDx Variant Classification Process June 2021. Collection method: clinical testing. Allele origin: germline. Affected: yes.
Comment: In silico analysis supports that this missense variant has a deleterious effect on protein structure/function; Has not been previously published as pathogenic or benign to our knowledge

NM_003070.5(SMARCA2):c.373C>T (p.Pro125Ser)

Gene: SMARCA2 (SWI/SNF related BAF chromatin remodeling complex subunit ATPase 2; plus strand). Cytogenetic location: 9p24.3.
Variant type: single nucleotide variant.
Coding change: c.373C>T on transcript NM_003070.5 (MANE Select); coding-DNA position 373, C replaced by T.
Protein change: p.Pro125Ser; replaces proline 125 with serine.
Molecular consequence: missense variant.
Genome position (GRCh38, 1-based): chr9:2,039,483, C>T. VCF-style: chr9-2039483-C-T. GRCh37 (hg19) VCF-style: chr9-2039483-C-T.
Other names: c.373C>T, p.Pro125Ser (NM_001289396.2, NM_001289397.2, NM_139045.4); short protein forms P125S.
Identifiers: ClinVar variation 2579863 (VCV002579863.1), dbSNP rs755042247, ClinGen allele CA4962849.